The following is an entry in ClinVar:

ClinVar aggregate classification (germline): Uncertain significance (1 of 4 stars; one submission).

Conditions:
Inborn genetic diseases. Identifiers: MedGen C0950123, MeSH D030342.

Submission:

Ambry Genetics
Classification: Uncertain significance for Inborn genetic diseases. Last evaluated: 2026-06-09. Review status: criteria provided, single submitter. Criteria: Ambry Variant Classification Scheme 2023. Collection method: clinical testing. Allele origin: germline.
Comment: The p.E495Q variant (also known as c.1483G>C), located in coding exon 6 of the MBD4 gene, results from a G to C substitution at nucleotide position 1483. The glutamic acid at codon 495 is replaced by glutamine, an amino acid with highly similar properties. This amino acid position is conserved. In addition, the in silico prediction for this alteration is inconclusive. Based on the available evidence, the clinical significance of this variant remains unclear.

NM_001276270.2(MBD4):c.1483G>C (p.Glu495Gln)

Gene: MBD4 (methyl-CpG binding domain 4, DNA glycosylase; minus strand). Cytogenetic location: 3q21.3.
Variant type: single nucleotide variant.
Coding change: c.1483G>C on transcript NM_001276270.2 (MANE Select); coding-DNA position 1483, G replaced by C.
Protein change: p.Glu495Gln; replaces glutamic acid 495 with glutamine.
Molecular consequence: missense variant.
Genome position (GRCh38, 1-based): chr3:129,433,158, C>G on the plus strand (G>C on the coding strand, the complement: MBD4 is on the minus strand). VCF-style: chr3-129433158-C-G. GRCh37 (hg19) VCF-style: chr3-129152001-C-G.
Other names: c.1501G>C, p.Glu501Gln (NM_001276271.2, NM_001276272.2, NM_003925.3); c.547G>C, p.Glu183Gln (NM_001276273.2); short protein forms E183Q, E495Q, E501Q.
Identifiers: ClinVar variation 4859625 (VCV004859625.1).